The following is an entry in ClinVar:

NM_001035.3(RYR2):c.14337C>T (p.Tyr4779=)

Gene: RYR2 (ryanodine receptor 2; plus strand). Cytogenetic location: 1q43.
Variant type: single nucleotide variant.
Coding change: c.14337C>T on transcript NM_001035.3 (MANE Select); coding-DNA position 14337, C replaced by T.
Protein change: p.Tyr4779=; no amino-acid change (tyrosine 4779 retained).
Molecular consequence: synonymous variant.
Genome position (GRCh38, 1-based): chr1:237,808,939, C>T. VCF-style: chr1-237808939-C-T. GRCh37 (hg19) VCF-style: chr1-237972239-C-T.
Identifiers: ClinVar variation 3071089 (VCV003071089.1), dbSNP rs2528174401, ClinGen allele CA424051713.

ClinVar aggregate classification (germline): Likely benign (1 of 4 stars; one submission).

Conditions:
Catecholaminergic polymorphic ventricular tachycardia (CVPT). Also called: Catecholamine-induced polymorphic ventricular tachycardia. Identifiers: Orphanet 3286, MedGen C5574922, MONDO:0017990.

Submission:

All of Us Research Program, National Institutes of Health
Classification: Likely benign for Catecholaminergic polymorphic ventricular tachycardia. Last evaluated: 2023-05-16. Review status: criteria provided, single submitter. Criteria: ACMG Guidelines, 2015. Collection method: clinical testing. Allele origin: germline. Inheritance: Autosomal dominant inheritance. Observed: 1 variant allele, 1 heterozygote.
Comment: This study involves interpretation of variants in research participants for the purpose of population health screening. Participant phenotype was not available at the time of variant classification. Additional details can be found in publication PMID: 35346344, PMCID: PMC8962531